The following is an entry in ClinVar:

NM_021954.4(GJA3):c.*1351C>T

Gene: GJA3 (gap junction protein alpha 3; minus strand). Cytogenetic location: 13q12.11.
Variant type: single nucleotide variant.
Coding change: c.*1351C>T on transcript NM_021954.4 (MANE Select); 1351 bases downstream of the stop codon, C replaced by T.
Molecular consequence: 3 prime UTR variant.
Genome position (GRCh38, 1-based): chr13:20,140,630, G>A on the plus strand (C>T on the coding strand, the complement: GJA3 is on the minus strand). VCF-style: chr13-20140630-G-A. GRCh37 (hg19) VCF-style: chr13-20714769-G-A.
Identifiers: ClinVar variation 311307 (VCV000311307.5), dbSNP rs138516703, ClinGen allele CA10633949.

ClinVar aggregate classification (germline): Benign (1 of 4 stars; one submission).

Conditions:
Cataract 14 multiple types. Also called: CATARACT 14, ZONULAR PULVERULENT; CATARACT 14, NUCLEAR PULVERULENT; CATARACT 14, NUCLEAR PULVERULENT AND POSTERIOR POLAR; CATARACT 14, NUCLEAR CORALLIFORM; CATARACT 14, EMBRYONAL NUCLEAR; CATARACT 14, COPPOCK-LIKE. Identifiers: Orphanet 91492, MedGen C1866078, MONDO:0011162, OMIM 601885.

Allele frequency attached by ClinVar (database versions not stated): 1000 Genomes Project 0.00240; TOPMed 0.00301; 1000 Genomes Project 30x 0.00265; gnomAD 0.00295 and 0.00271.

Submission:

Illumina Laboratory Services, Illumina
Classification: Benign for Cataract 14 multiple types. Last evaluated: 2018-01-12. Review status: criteria provided, single submitter. Criteria: ICSL Variant Classification Criteria 13 December 2019. Collection method: clinical testing. Allele origin: germline.
Comment: This variant was observed in the ICSL laboratory as part of a predisposition screen in an ostensibly healthy population. It had not been previously curated by ICSL or reported in the Human Gene Mutation Database (HGMD: prior to June 1st, 2018), and was therefore a candidate for classification through an automated scoring system. Utilizing variant allele frequency, disease prevalence and penetrance estimates, and inheritance mode, an automated score was calculated to assess if this variant is too frequent to cause the disease. Based on the score and internal cut-off values, a variant classified as benign is not then subjected to further curation. The score for this variant resulted in a classification of benign for this disease.